The following is an entry in ClinVar:

NM_182961.4(SYNE1):c.225+5G>C

Gene: SYNE1 (spectrin repeat containing nuclear envelope protein 1; minus strand). Cytogenetic location: 6q25.2.
Variant type: single nucleotide variant.
Coding change: c.225+5G>C on transcript NM_182961.4 (MANE Select); 5 bases into the intron after coding-DNA position 225, G replaced by C.
Molecular consequence: intron variant.
Genome position (GRCh38, 1-based): chr6:152,526,075, C>G on the plus strand (G>C on the coding strand, the complement: SYNE1 is on the minus strand). VCF-style: chr6-152526075-C-G. GRCh37 (hg19) VCF-style: chr6-152847210-C-G.
Other names: c.225+5G>C (NM_033071.5).
Identifiers: ClinVar variation 660072 (VCV000660072.6), dbSNP rs1594697066, ClinGen allele CA915944478.

ClinVar aggregate classification (germline): Uncertain significance. Review status: criteria provided, multiple submitters, no conflicts (2 of 4 stars). 2 submissions from 2 submitters: Uncertain significance (2). Last evaluated 2025-02-21.

Conditions:
Emery-Dreifuss muscular dystrophy 4, autosomal dominant (EDMD4). Also called: EMERY-DREIFUSS MUSCULAR DYSTROPHY 4 WITH VARIABLE FEATURES. Identifiers: Orphanet 261, MedGen C2751807, MONDO:0013071, OMIM 612998.
Autosomal recessive ataxia, Beauce type. Also called: Spinocerebellar ataxia, autosomal recessive 8; ATAXIA, RECESSIVE, OF BEAUCE; SYNE1-Related Autosomal Recessive Cerebellar Ataxia; SYNE1 Deficiency. Identifiers: Orphanet 88644, MedGen C1853116, MONDO:0012549, OMIM 610743.

Allele frequency attached by ClinVar (database versions not stated): TOPMed below 0.00001.

Submissions (2):

GeneDx
Classification: Uncertain significance. Last evaluated: 2025-02-21. Review status: criteria provided, single submitter. Criteria: GeneDx Variant Classification Process June 2021. Collection method: clinical testing. Allele origin: germline. Affected: yes.
Comment: Not observed at significant frequency in large population cohorts (gnomAD); In silico analysis indicates that this variant does not alter splicing; Has not been previously published as pathogenic or benign to our knowledge

Labcorp Genetics (formerly Invitae), Labcorp
Classification: Uncertain significance for Emery-Dreifuss muscular dystrophy 4, autosomal dominant; Autosomal recessive ataxia, Beauce type. Last evaluated: 2022-07-05. Review status: criteria provided, single submitter. Criteria: Invitae Variant Classification Sherloc (09022015). Collection method: clinical testing. Allele origin: germline.
Comment: In summary, the available evidence is currently insufficient to determine the role of this variant in disease. Therefore, it has been classified as a Variant of Uncertain Significance. Variants that disrupt the consensus splice site are a relatively common cause of aberrant splicing (PMID: 17576681, 9536098). Algorithms developed to predict the effect of sequence changes on RNA splicing suggest that this variant is not likely to affect RNA splicing. ClinVar contains an entry for this variant (Variation ID: 660072). This variant has not been reported in the literature in individuals affected with SYNE1-related conditions. This variant is not present in population databases (gnomAD no frequency). This sequence change falls in intron 4 of the SYNE1 gene. It does not directly change the encoded amino acid sequence of the SYNE1 protein. It affects a nucleotide within the consensus splice site.

Literature cited by the submitters: PubMed 17576681 (cited by Labcorp Genetics (formerly Invitae), Labcorp); PubMed 9536098 (cited by Labcorp Genetics (formerly Invitae), Labcorp).